The following is an entry in ClinVar:

NM_019885.4(CYP26B1):c.466A>G (p.Ser156Gly)

Gene: CYP26B1 (cytochrome P450 family 26 subfamily B member 1; minus strand). Cytogenetic location: 2p13.2.
Variant type: single nucleotide variant.
Coding change: c.466A>G on transcript NM_019885.4 (MANE Select); coding-DNA position 466, A replaced by G.
Protein change: p.Ser156Gly; replaces serine 156 with glycine.
Molecular consequence: missense variant.
Genome position (GRCh38, 1-based): chr2:72,135,383, T>C on the plus strand (A>G on the coding strand, the complement: CYP26B1 is on the minus strand). VCF-style: chr2-72135383-T-C. GRCh37 (hg19) VCF-style: chr2-72362512-T-C.
Other names: c.241A>G, p.Ser81Gly (NM_001277742.2); short protein forms S156G, S81G.
Identifiers: ClinVar variation 4686964 (VCV004686964.1).

ClinVar aggregate classification (germline): Uncertain significance (1 of 4 stars; one submission).

gnomAD v4.1: 267 of 1,613,304 alleles (0.017%); highest among the groups gnomAD compares: South Asian, 0.29%; 2 homozygotes.

Submission:

GeneDx
Classification: Uncertain significance. Last evaluated: 2025-07-21. Review status: criteria provided, single submitter. Criteria: GeneDx Variant Classification Process June 2021. Collection method: clinical testing. Allele origin: germline. Affected: yes.
Comment: In silico analysis supports that this missense variant has a deleterious effect on protein structure/function; Has not been previously published as pathogenic or benign to our knowledge